The following is an entry in ClinVar:

ClinVar aggregate classification (germline): Uncertain significance. Review status: criteria provided, multiple submitters, no conflicts (2 of 4 stars). 3 submissions from 3 submitters: Uncertain significance (3). Last evaluated 2023-08-03.

Conditions:
FG syndrome (FGS). Identifiers: MedGen C0220769, MONDO:0002010.
Familial thoracic aortic aneurysm and aortic dissection (TAAD). Also called: Thoracic aortic aneurysms and dissections. Identifiers: Orphanet 91387, MedGen C4707243, MONDO:0019625.

Allele frequency attached by ClinVar (database versions not stated): gnomAD exomes below 0.00001.
gnomAD v4.1: 1 of 1,209,661 alleles (0.000083%); highest among the groups gnomAD compares: Non-Finnish European, 0.00011%; no homozygotes.

Submissions (3):

GeneDx
Classification: Uncertain significance. Last evaluated: 2023-08-03. Review status: criteria provided, single submitter. Criteria: GeneDx Variant Classification Process June 2021. Collection method: clinical testing. Allele origin: germline. Affected: yes.
Comment: Not observed at significant frequency in large population cohorts (gnomAD); In silico analysis supports that this missense variant does not alter protein structure/function; Has not been previously published as pathogenic or benign to our knowledge

Labcorp Genetics (formerly Invitae), Labcorp
Classification: Uncertain significance for FG syndrome. Last evaluated: 2022-11-03. Review status: criteria provided, single submitter. Criteria: Invitae Variant Classification Sherloc (09022015). Collection method: clinical testing. Allele origin: germline.
Comment: ClinVar contains an entry for this variant (Variation ID: 213645). This sequence change replaces alanine, which is neutral and non-polar, with threonine, which is neutral and polar, at codon 554 of the MED12 protein (p.Ala554Thr). This variant has not been reported in the literature in individuals affected with MED12-related conditions. This variant is not present in population databases (gnomAD no frequency). Advanced modeling of protein sequence and biophysical properties (such as structural, functional, and spatial information, amino acid conservation, physicochemical variation, residue mobility, and thermodynamic stability) performed at Invitae indicates that this missense variant is not expected to disrupt MED12 protein function. In summary, the available evidence is currently insufficient to determine the role of this variant in disease. Therefore, it has been classified as a Variant of Uncertain Significance.

Ambry Genetics
Classification: Uncertain significance for Familial thoracic aortic aneurysm and aortic dissection. Last evaluated: 2022-09-26. Review status: criteria provided, single submitter. Criteria: Ambry Variant Classification Scheme 2023. Collection method: clinical testing. Allele origin: germline.
Comment: The p.A554T variant (also known as c.1660G>A), located in coding exon 12 of the MED12 gene, results from a G to A substitution at nucleotide position 1660. The alanine at codon 554 is replaced by threonine, an amino acid with similar properties. This amino acid position is conserved. In addition, this alteration is predicted to be tolerated by in silico analysis. Since supporting evidence is limited at this time, the clinical significance of this alteration remains unclear.

NM_005120.3(MED12):c.1660G>A (p.Ala554Thr)

Genes: MED12 (mediator complex subunit 12; plus strand), LOC126863275 (BRD4-independent group 4 enhancer GRCh37_chrX:70342400-70343599; plus strand). Cytogenetic location: Xq13.1.
Variant type: single nucleotide variant.
Coding change: c.1660G>A on transcript NM_005120.3 (MANE Select); coding-DNA position 1660, G replaced by A.
Protein change: p.Ala554Thr; replaces alanine 554 with threonine.
Molecular consequence: missense variant.
Genome position (GRCh38, 1-based): chrX:71,123,636, G>A. VCF-style: chrX-71123636-G-A. GRCh37 (hg19) VCF-style: chrX-70343486-G-A.
Other names: short protein forms A554T.
Identifiers: ClinVar variation 213645 (VCV000213645.8), dbSNP rs863223709, ClinGen allele CA324049.
Genomic context (GRCh38, chrX:71,123,636, plus strand): 5'-TGTTCTGTCATCTTGCAGCGTTGTGGAGAATCAGAAGCCGCAGATGAGAAGGGTTCCATC[G>A]CCTCTGGCTCCCTTTCTGCTCCCAGTGCTCCCATTTTCCAGGATGTCCTCCTGCAGTTTC-3'
Protein context (NP_005111.2, residues 544-564): SEAADEKGSI[Ala554Thr]SGSLSAPSAP